The following is an entry in ClinVar:

ClinVar aggregate classification (germline): Uncertain significance (1 of 4 stars; one submission).

Submission:

Labcorp Genetics (formerly Invitae), Labcorp
Classification: Uncertain significance. Last evaluated: 2025-12-11. Review status: criteria provided, single submitter. Criteria: Invitae Variant Classification Sherloc (09022015). Collection method: clinical testing. Allele origin: germline.
Comment: This sequence change replaces proline, which is neutral and non-polar, with serine, which is neutral and polar, at codon 221 of the NAF1 protein (p.Pro221Ser). This variant is not present in population databases (gnomAD no frequency). This variant has not been reported in the literature in individuals affected with NAF1-related conditions. An algorithm developed to predict the effect of missense changes on protein structure and function (PolyPhen-2) suggests that this variant is likely to be disruptive. In summary, the available evidence is currently insufficient to determine the role of this variant in disease. Therefore, it has been classified as a Variant of Uncertain Significance.

NM_138386.3(NAF1):c.661C>T (p.Pro221Ser)

Gene: NAF1 (nuclear assembly factor 1 ribonucleoprotein; minus strand). Cytogenetic location: 4q32.2.
Variant type: single nucleotide variant.
Coding change: c.661C>T on transcript NM_138386.3 (MANE Select); coding-DNA position 661, C replaced by T.
Protein change: p.Pro221Ser; replaces proline 221 with serine.
Molecular consequence: missense variant.
Genome position (GRCh38, 1-based): chr4:163,145,838, G>A on the plus strand (C>T on the coding strand, the complement: NAF1 is on the minus strand). VCF-style: chr4-163145838-G-A. GRCh37 (hg19) VCF-style: chr4-164066990-G-A.
Other names: c.661C>T, p.Pro221Ser (NM_001128931.2); short protein forms P221S.
Identifiers: ClinVar variation 4803508 (VCV004803508.1).